The following is an entry in ClinVar:

ClinVar aggregate classification (germline): Likely benign (1 of 4 stars; one submission).

Submission:

GeneDx
Classification: Likely benign. Last evaluated: 2016-03-21. Review status: criteria provided, single submitter. Criteria: GeneDx Variant Classification (06012015). Collection method: clinical testing. Allele origin: germline. Affected: yes.
Comment: This variant is considered likely benign or benign based on one or more of the following criteria: it is a conservative change, it occurs at a poorly conserved position in the protein, it is predicted to be benign by multiple in silico algorithms, and/or has population frequency not consistent with disease.

NM_006996.3(SLC19A2):c.1223+9_1223+19delinsG

Gene: SLC19A2 (solute carrier family 19 member 2; minus strand). Cytogenetic location: 1q24.2.
Variant type: Indel.
Coding change: c.1223+9_1223+19delinsG on transcript NM_006996.3 (MANE Select); bases 9 to 19 of the intron after coding-DNA position 1223, TTTGGCTCATA replaced by G.
Molecular consequence: intron variant.
Genome position (GRCh38, 1-based): chr1:169,468,625-169,468,635, TATGAGCCAAA replaced by C on the plus strand (TTTGGCTCATA replaced by G on the coding strand, the reverse complement: SLC19A2 is on the minus strand). VCF-style: chr1-169468625-TATGAGCCAAA-C. GRCh37 (hg19) VCF-style: chr1-169437863-TATGAGCCAAA-C.
Other names: c.620+9_620+19delinsG (NM_001319667.1).
Identifiers: ClinVar variation 420595 (VCV000420595.1), dbSNP rs1064794575, ClinGen allele CA16617018.